The following is an entry in ClinVar:

ClinVar aggregate classification (germline): Uncertain significance. Review status: criteria provided, multiple submitters, no conflicts (2 of 4 stars). 5 submissions from 5 submitters: Uncertain significance (5). Last evaluated 2026-01-11.

Conditions:
Atrial septal defect 4 (ASD4). Identifiers: Orphanet 1478, MedGen C1969657, MONDO:0012654, OMIM 611363.
Cardiovascular phenotype. Identifiers: MedGen CN230736.

Allele frequency attached by ClinVar (database versions not stated): ExAC 0.00005; gnomAD 0.00005; gnomAD exomes 0.00005 and 0.00008; TOPMed 0.00009.
gnomAD v4.1: 118 of 1,612,588 alleles (0.0073%); highest among the groups gnomAD compares: Non-Finnish European, 0.0091%; no homozygotes.

Submissions (5):

Labcorp Genetics (formerly Invitae), Labcorp
Classification: Uncertain significance. Last evaluated: 2026-01-11. Review status: criteria provided, single submitter. Criteria: Invitae Variant Classification Sherloc (09022015). Collection method: clinical testing. Allele origin: germline.
Comment: This sequence change replaces serine, which is neutral and polar, with cysteine, which is neutral and slightly polar, at codon 29 of the TBX20 protein (p.Ser29Cys). This variant is present in population databases (rs13237089, gnomAD 0.009%). This missense change has been observed in individual(s) with clinical features of dilated cardiomyopathy (internal data). ClinVar contains an entry for this variant (Variation ID: 1181575). An algorithm developed to predict the effect of missense changes on protein structure and function (PolyPhen-2) suggests that this variant is likely to be tolerated. In summary, the available evidence is currently insufficient to determine the role of this variant in disease. Therefore, it has been classified as a Variant of Uncertain Significance.

GeneDx
Classification: Uncertain significance. Last evaluated: 2026-01-01. Review status: criteria provided, single submitter. Criteria: GeneDx Variant Classification Process June 2021. Collection method: clinical testing. Allele origin: germline. Affected: yes.
Comment: In silico analysis suggests that this missense variant does not alter protein structure/function; Has not been previously published as pathogenic or benign in association with a TBX20-related disorder to our knowledge; This variant is associated with the following publications: (PMID: 31983221)

Ambry Genetics
Classification: Uncertain significance for Cardiovascular phenotype. Last evaluated: 2023-11-22. Review status: criteria provided, single submitter. Criteria: Ambry Variant Classification Scheme 2023. Collection method: clinical testing. Allele origin: germline.
Comment: The p.S29C variant (also known as c.86C>G), located in coding exon 1 of the TBX20 gene, results from a C to G substitution at nucleotide position 86. The serine at codon 29 is replaced by cysteine, an amino acid with dissimilar properties. This amino acid position is not well conserved in available vertebrate species. In addition, this alteration is predicted to be tolerated by in silico analysis. Since supporting evidence is limited at this time, the clinical significance of this alteration remains unclear.

Fulgent Genetics
Classification: Uncertain significance for Atrial septal defect 4. Last evaluated: 2021-11-22. Review status: criteria provided, single submitter. Criteria: ACMG Guidelines, 2015. Collection method: clinical testing. Allele origin: unknown.

Department of Pathology and Laboratory Medicine, Sinai Health System
Classification: Uncertain significance for Atrial septal defect 4. Last evaluated: 2021-07-30. Review status: criteria provided, single submitter. Criteria: ACMG Guidelines, 2015. Collection method: research. Allele origin: germline.

NM_001077653.2(TBX20):c.86C>G (p.Ser29Cys)

Gene: TBX20 (T-box transcription factor 20; minus strand). Cytogenetic location: 7p14.2.
Variant type: single nucleotide variant.
Coding change: c.86C>G on transcript NM_001077653.2 (MANE Select); coding-DNA position 86, C replaced by G.
Protein change: p.Ser29Cys; replaces serine 29 with cysteine.
Molecular consequence: missense variant.
Genome position (GRCh38, 1-based): chr7:35,253,535, G>C on the plus strand (C>G on the coding strand, the complement: TBX20 is on the minus strand). VCF-style: chr7-35253535-G-C. GRCh37 (hg19) VCF-style: chr7-35293146-G-C.
Other names: c.86C>G, p.Ser29Cys (NM_001166220.1); short protein forms S29C.
Identifiers: ClinVar variation 1181575 (VCV001181575.13), dbSNP rs13237089, ClinGen allele CA4217602.
Genomic context (GRCh38, chr7:35,253,535, plus strand): 5'-GCCGGGTAGCCCAACTTACCCAGGGGTTTGATTGTGTTCTCCGTCGCCTCCTTCTCCTTA[G>C]AGCCGCCGCTCGACATGAGCGCGGCAATGGAGAAGGCGTTGGCCCGAGAGGAGAGTTGGG-3'
Protein context (NP_001071121.1, residues 19-39): SIAALMSSGG[Ser29Cys]KEKEATENTI